The following is an entry in ClinVar:

NM_001875.5(CPS1):c.1068C>G (p.Val356=)

Gene: CPS1 (carbamoyl-phosphate synthase 1; plus strand). Cytogenetic location: 2q34.
Variant type: single nucleotide variant.
Coding change: c.1068C>G on transcript NM_001875.5 (MANE Select); coding-DNA position 1068, C replaced by G.
Protein change: p.Val356=; no amino-acid change (valine 356 retained).
Molecular consequence: synonymous variant. On other transcripts: non-coding transcript variant (1).
Genome position (GRCh38, 1-based): chr2:210,591,951, C>G. VCF-style: chr2-210591951-C-G. GRCh37 (hg19) VCF-style: chr2-211456675-C-G.
Other names: c.1068C>G (LRG_336t1); c.1068C>G, p.Val356= (NM_001122633.3, NM_001369257.1); c.1101C>G, p.Val367= (NM_001369256.1).
Identifiers: ClinVar variation 334020 (VCV000334020.19), dbSNP rs34022862, ClinGen allele CA2086230.
Genomic context (GRCh38, chr2:210,591,951, plus strand): 5'-TCATGGCTATGCCTTGGACAACACCCTCCCTGCTGGCTGGAAACCACTTTTTGTGAATGT[C>G]AACGATCAAACAAATGAGGTAAATGATGTCAATAAACCTGTTCAGTTGGTGATGAGAAAC-3'
Protein context (NP_001866.2, residues 346-366): PAGWKPLFVN[Val356=]NDQTNEGIMH

ClinVar aggregate classification (germline): Benign. Review status: criteria provided, multiple submitters, no conflicts (2 of 4 stars). 5 submissions from 5 submitters: Benign (4). 1 of the submissions does not count toward it. Last evaluated 2026-02-01.

Conditions:
Congenital hyperammonemia, type I. Also called: CPS I DEFICIENCY; Carbamoyl phosphate synthetase 1 deficiency; Hyperammonemia due to carbamoyl phosphate synthetase 1 deficiency; CPS 1 deficiency; Carbamyl phosphate synthetase (CPS) deficiency; Carbamoyl phosphate synthetase I deficiency disease. Identifiers: Orphanet 147, MedGen C4082171, MONDO:0009376, OMIM 237300.

Allele frequency attached by ClinVar (database versions not stated): gnomAD exomes 0.00120 and 0.00310; ExAC 0.00389; gnomAD 0.01185 and 0.01287; 1000 Genomes Project 30x 0.01218; TOPMed 0.01367; 1000 Genomes Project 0.01298; ESP Exome Variant Server 0.01407.
gnomAD v4.1: 3,638 of 1,611,620 alleles (0.23%); highest among the groups gnomAD compares: African/African-American, 4.1%; 73 homozygotes.

Submissions (9):

Labcorp Genetics (formerly Invitae), Labcorp
Classification: Benign for Congenital hyperammonemia, type I. Last evaluated: 2026-02-01. Review status: criteria provided, single submitter. Criteria: Invitae Variant Classification Sherloc (09022015). Collection method: clinical testing. Allele origin: germline.

Illumina Laboratory Services, Illumina
Classification: Benign for Congenital hyperammonemia, type I. Last evaluated: 2018-01-13. Review status: criteria provided, single submitter. Criteria: ICSL Variant Classification Criteria 13 December 2019. Collection method: clinical testing. Allele origin: germline.
Comment: This variant was observed in the ICSL laboratory as part of a predisposition screen in an ostensibly healthy population. It had not been previously curated by ICSL or reported in the Human Gene Mutation Database (HGMD: prior to June 1st, 2018), and was therefore a candidate for classification through an automated scoring system. Utilizing variant allele frequency, disease prevalence and penetrance estimates, and inheritance mode, an automated score was calculated to assess if this variant is too frequent to cause the disease. Based on the score and internal cut-off values, a variant classified as benign is not then subjected to further curation. The score for this variant resulted in a classification of benign for this disease.

GeneDx
Classification: Benign. Last evaluated: 2016-07-12. Review status: criteria provided, single submitter. Criteria: GeneDx Variant Classification (06012015). Collection method: clinical testing. Allele origin: germline. Affected: yes.
Comment: This variant is considered likely benign or benign based on one or more of the following criteria: it is a conservative change, it occurs at a poorly conserved position in the protein, it is predicted to be benign by multiple in silico algorithms, and/or has population frequency not consistent with disease.

Breakthrough Genomics
Classification: Benign. Review status: criteria provided, single submitter. Criteria: ACMG Guidelines, 2015. Collection method: not provided. Allele origin: germline. Inheritance: Autosomal recessive inheritance. Affected: yes.

Natera, Inc.
Classification: Benign for Carbamoyl-phosphate synthase I deficiency. Last evaluated: 2020-09-16. Review status: no assertion criteria provided. Collection method: clinical testing. Allele origin: germline. Not counted in ClinVar's aggregate classification.

Dr. Peter K. Rogan Lab, Western University
No classification provided (evidence only). Condition: Uterine corpus endometrial carcinoma. Review status: no classification provided. Collection method: in vitro. Allele origin: not applicable. Functional consequence: retained intron. Not counted in ClinVar's aggregate classification.

Dr. Peter K. Rogan Lab, Western University
No classification provided (evidence only). Condition: Hepatocellular carcinoma. Review status: no classification provided. Collection method: in vitro. Allele origin: not applicable. Functional consequence: retained intron. Not counted in ClinVar's aggregate classification.

Dr. Peter K. Rogan Lab, Western University
No classification provided (evidence only). Condition: Hepatocellular carcinoma. Review status: no classification provided. Collection method: in vitro. Allele origin: not applicable. Functional consequence: retained intron. Not counted in ClinVar's aggregate classification.

Dr. Peter K. Rogan Lab, Western University
No classification provided (evidence only). Condition: Hepatocellular carcinoma. Review status: no classification provided. Collection method: in vitro. Allele origin: not applicable. Functional consequence: retained intron. Not counted in ClinVar's aggregate classification.